The following is an entry in ClinVar:

ClinVar aggregate classification (germline): Benign/Likely benign. Review status: criteria provided, multiple submitters, no conflicts (2 of 4 stars). 9 submissions from 9 submitters: Benign (3); Likely benign (5). 1 of the submissions does not count toward it. Last evaluated 2025-12-23.

Conditions:
MYH11-related disorder. Also called: MYH11-related condition.
Familial thoracic aortic aneurysm and aortic dissection (TAAD). Also called: Thoracic aortic aneurysms and dissections. Identifiers: Orphanet 91387, MedGen C4707243, MONDO:0019625.
Aortic aneurysm, familial thoracic 4 (AAT4). Also called: AORTIC ANEURYSM/AORTIC DISSECTION AND PATENT DUCTUS ARTERIOSUS. Identifiers: MedGen C1851504, MONDO:0007568, OMIM 132900.

Allele frequency attached by ClinVar (database versions not stated): gnomAD exomes 0.00003 and 0.00008; gnomAD 0.00004; TOPMed 0.00006; ExAC 0.00009.
gnomAD v4.1: 59 of 1,614,084 alleles (0.0037%); highest among the groups gnomAD compares: East Asian, 0.047%; no homozygotes.

Submissions (9):

Labcorp Genetics (formerly Invitae), Labcorp
Classification: Benign for Aortic aneurysm, familial thoracic 4. Last evaluated: 2025-12-23. Review status: criteria provided, single submitter. Criteria: Invitae Variant Classification Sherloc (09022015). Collection method: clinical testing. Allele origin: germline.

Ambry Genetics
Classification: Likely benign for Familial thoracic aortic aneurysm and aortic dissection. Last evaluated: 2024-06-14. Review status: criteria provided, single submitter. Criteria: Ambry Variant Classification Scheme 2023. Collection method: clinical testing. Allele origin: germline.

All of Us Research Program, National Institutes of Health
Classification: Likely benign for Familial thoracic aortic aneurysm and aortic dissection. Last evaluated: 2023-12-13. Review status: criteria provided, single submitter. Criteria: ACMG Guidelines, 2015. Collection method: clinical testing. Allele origin: germline. Inheritance: Autosomal dominant inheritance. Observed: 8 variant alleles, 8 heterozygotes.
Comment: This study involves interpretation of variants in research participants for the purpose of population health screening. Participant phenotype was not available at the time of variant classification. Additional details can be found in publication PMID: 35346344, PMCID: PMC8962531

Blueprint Genetics
Classification: Likely benign. Last evaluated: 2023-10-06. Review status: criteria provided, single submitter. Criteria: ACMG Guidelines, 2015. Collection method: clinical testing. Allele origin: germline.

Women's Health and Genetics/Laboratory Corporation of America, LabCorp
Classification: Benign. Last evaluated: 2023-04-09. Review status: criteria provided, single submitter. Criteria: LabCorp Variant Classification Summary - May 2015. Collection method: clinical testing. Allele origin: germline.

CHEO Genetics Diagnostic Laboratory, Children's Hospital of Eastern Ontario
Classification: Likely benign for Familial thoracic aortic aneurysm and aortic dissection. Last evaluated: 2022-03-29. Review status: criteria provided, single submitter. Criteria: ACMG Guidelines, 2015. Collection method: clinical testing. Allele origin: germline.

Color Diagnostics, LLC DBA Color Health
Classification: Likely benign for Familial thoracic aortic aneurysm and aortic dissection. Last evaluated: 2018-11-25. Review status: criteria provided, single submitter. Criteria: ACMG Guidelines, 2015. Collection method: clinical testing. Allele origin: germline.

GeneDx
Classification: Benign. Last evaluated: 2016-12-07. Review status: criteria provided, single submitter. Criteria: GeneDx Variant Classification (06012015). Collection method: clinical testing. Allele origin: germline. Affected: yes.
Comment: This variant is considered likely benign or benign based on one or more of the following criteria: it is a conservative change, it occurs at a poorly conserved position in the protein, it is predicted to be benign by multiple in silico algorithms, and/or has population frequency not consistent with disease.

PreventionGenetics, part of Exact Sciences
Classification: Likely benign for MYH11-related condition. Last evaluated: 2023-11-22. Review status: no assertion criteria provided. Collection method: clinical testing. Allele origin: germline. Not counted in ClinVar's aggregate classification.
Comment: This variant is classified as likely benign based on ACMG/AMP sequence variant interpretation guidelines (Richards et al. 2015 PMID: 25741868, with internal and published modifications).

NM_002474.3(MYH11):c.831C>T (p.Asp277=)

Gene: MYH11 (myosin heavy chain 11; minus strand). Cytogenetic location: 16p13.11.
Variant type: single nucleotide variant.
Coding change: c.831C>T on transcript NM_002474.3 (MANE Select); coding-DNA position 831, C replaced by T.
Protein change: p.Asp277=; no amino-acid change (aspartic acid 277 retained).
Molecular consequence: synonymous variant.
Genome position (GRCh38, 1-based): chr16:15,776,136, G>A on the plus strand (C>T on the coding strand, the complement: MYH11 is on the minus strand). VCF-style: chr16-15776136-G-A. GRCh37 (hg19) VCF-style: chr16-15869993-G-A.
Other names: c.852C>T, p.Asp284= (NM_001040113.2, NM_001040114.2); c.831C>T, p.Asp277= (NM_022844.3).
Identifiers: ClinVar variation 379669 (VCV000379669.21), dbSNP rs113537940, ClinGen allele CA7922803.